The following is an entry in ClinVar:

ClinVar aggregate classification (germline): Pathogenic. Review status: criteria provided, multiple submitters, no conflicts (2 of 4 stars). 2 submissions from 2 submitters: Pathogenic (2). Last evaluated 2026-07-28.

Conditions:
Hereditary insensitivity to pain with anhidrosis (CIPA). Also called: INSENSITIVITY TO PAIN, CONGENITAL, WITH ANHIDROSIS; NTRK1 Congenital Insensitivity to Pain with Anhidrosis; FAMILIAL DYSAUTONOMIA, TYPE II; HSAN Type IV; NEUROPATHY, CONGENITAL SENSORY, WITH ANHIDROSIS; hereditary sensory and autonomic neuropathy type 4. Identifiers: Orphanet 642, MedGen C0020074, MONDO:0009746, OMIM 256800.

Allele frequency attached by ClinVar (database versions not stated): TOPMed 0.00001.

Submissions (2):

Myriad Genetics, Inc.
Classification: Pathogenic for Hereditary insensitivity to pain with anhidrosis. Last evaluated: 2026-07-28. Review status: criteria provided, single submitter. Criteria: Myriad Autosomal Dominant, Autosomal Recessive and X-Linked Classification Criteria (2023). Collection method: clinical testing. Allele origin: unknown.
Comment: NM_002529.3(NTRK1):c.2078G>A(W693*) is a nonsense variant classified as pathogenic in the context of congenital insensitivity to pain with anhidrosis, NTRK1-related. W693* has not been observed in cases with relevant disease. Relevant functional assessments of this variant are not available in the literature. W693* has not been observed in referenced population frequency databases. In summary, NM_002529.3(NTRK1):c.2078G>A(W693*) is a nonsense variant in a gene where loss of function is a known mechanism of disease and is predicted to disrupt protein function. Please note: this variant was assessed in the context of healthy population screening.

Labcorp Genetics (formerly Invitae), Labcorp
Classification: Pathogenic for Hereditary insensitivity to pain with anhidrosis. Last evaluated: 2023-04-13. Review status: criteria provided, single submitter. Criteria: Invitae Variant Classification Sherloc (09022015). Collection method: clinical testing. Allele origin: germline.
Comment: This sequence change creates a premature translational stop signal (p.Trp687*) in the NTRK1 gene. It is expected to result in an absent or disrupted protein product. Loss-of-function variants in NTRK1 are known to be pathogenic (PMID: 10982191). This variant is not present in population databases (gnomAD no frequency). This variant has not been reported in the literature in individuals affected with NTRK1-related conditions. ClinVar contains an entry for this variant (Variation ID: 1441298). For these reasons, this variant has been classified as Pathogenic.

Literature cited by the submitters: PubMed 10982191 (cited by Labcorp Genetics (formerly Invitae), Labcorp).

NM_002529.4(NTRK1):c.2078G>A (p.Trp693Ter)

Gene: NTRK1 (neurotrophic receptor tyrosine kinase 1; plus strand). Cytogenetic location: 1q23.1.
Variant type: single nucleotide variant.
Coding change: c.2078G>A on transcript NM_002529.4 (MANE Select); coding-DNA position 2078, G replaced by A.
Protein change: p.Trp693Ter; replaces tryptophan 693 with a stop codon.
Molecular consequence: nonsense.
Genome position (GRCh38, 1-based): chr1:156,880,030, G>A. VCF-style: chr1-156880030-G-A. GRCh37 (hg19) VCF-style: chr1-156849822-G-A.
Other names: c.1970G>A, p.Trp657Ter (NM_001007792.1); c.2060G>A, p.Trp687Ter (NM_001012331.2); short protein forms W657*, W687*, W693*.
Identifiers: ClinVar variation 1441298 (VCV001441298.7), dbSNP rs1648162011, ClinGen allele CA342940282.
Genomic context (GRCh38, chr1:156,880,030, plus strand): 5'-GGAATTGATGCAGTGTCCGCCCGTGGCAGGTGGGAGGCCGCACCATGCTGCCCATTCGCT[G>A]GATGCCGCCCGAGAGCATCCTGTACCGTAAGTTCACCACCGAGAGCGACGTGTGGAGCTT-3'